The following is an entry in ClinVar:

ClinVar aggregate classification (germline): Uncertain significance. Review status: criteria provided, multiple submitters, no conflicts (2 of 4 stars). 3 submissions from 3 submitters: Uncertain significance (3). Last evaluated 2026-02-05.

Conditions:
Myofibrillar myopathy 5. Also called: Filaminopathy (type); FILAMINOPATHY, AUTOSOMAL DOMINANT. Identifiers: Orphanet 171445, MedGen C1836050, MONDO:0012289, OMIM 609524.
Hypertrophic cardiomyopathy 26. Also called: Cardiomyopathy, familial hypertrophic, 26. Identifiers: Orphanet 75249, MedGen C4310749, MONDO:0014883, OMIM 617047.
Distal myopathy with posterior leg and anterior hand involvement. Also called: WILLIAMS DISTAL MYOPATHY. Identifiers: Orphanet 63273, MedGen C3279722, MONDO:0013550, OMIM 614065.
Cardiovascular phenotype. Identifiers: MedGen CN230736.

Allele frequency attached by ClinVar (database versions not stated): gnomAD 0.00001; TOPMed 0.00002.
gnomAD v4.1: 7 of 1,543,482 alleles (0.00045%); highest among the groups gnomAD compares: Non-Finnish European, 0.00061%; no homozygotes.

Submissions (3):

Women's Health and Genetics/Laboratory Corporation of America, LabCorp
Classification: Uncertain significance. Last evaluated: 2026-02-05. Review status: criteria provided, single submitter. Criteria: LabCorp Variant Classification Summary - May 2015. Collection method: clinical testing. Allele origin: germline.

Labcorp Genetics (formerly Invitae), Labcorp
Classification: Uncertain significance for Distal myopathy with posterior leg and anterior hand involvement; Myofibrillar myopathy 5; Hypertrophic cardiomyopathy 26. Last evaluated: 2026-02-03. Review status: criteria provided, single submitter. Criteria: Invitae Variant Classification Sherloc (09022015). Collection method: clinical testing. Allele origin: germline.
Comment: This sequence change replaces proline, which is neutral and non-polar, with serine, which is neutral and polar, at codon 1759 of the FLNC protein (p.Pro1759Ser). This variant is not present in population databases (gnomAD no frequency). This variant has not been reported in the literature in individuals affected with FLNC-related conditions. ClinVar contains an entry for this variant (Variation ID: 580836). An algorithm developed to predict the effect of missense changes on protein structure and function (PolyPhen-2) suggests that this variant is likely to be tolerated. In summary, the available evidence is currently insufficient to determine the role of this variant in disease. Therefore, it has been classified as a Variant of Uncertain Significance.

Ambry Genetics
Classification: Uncertain significance for Cardiovascular phenotype. Last evaluated: 2025-02-04. Review status: criteria provided, single submitter. Criteria: Ambry Variant Classification Scheme 2023. Collection method: clinical testing. Allele origin: germline.
Comment: The p.P1759S variant (also known as c.5275C>T), located in coding exon 31 of the FLNC gene, results from a C to T substitution at nucleotide position 5275. The proline at codon 1759 is replaced by serine, an amino acid with similar properties. This variant was reported in individual(s) with features consistent with hypertrophic cardiomyopathy (Bonaventura J et al. J Am Heart Assoc, 2024 May;13:e033565). This amino acid position is highly conserved in available vertebrate species. In addition, this alteration is predicted to be tolerated by in silico analysis. Based on the available evidence, the clinical significance of this variant remains unclear.

Literature cited by the submitters: PubMed 38757491 (cited by Ambry Genetics).

NM_001458.5(FLNC):c.5275C>T (p.Pro1759Ser)

Gene: FLNC (filamin C; plus strand). Cytogenetic location: 7q32.1.
Variant type: single nucleotide variant.
Coding change: c.5275C>T on transcript NM_001458.5 (MANE Select); coding-DNA position 5275, C replaced by T.
Protein change: p.Pro1759Ser; replaces proline 1759 with serine.
Molecular consequence: missense variant. On other transcripts: intron variant (1).
Genome position (GRCh38, 1-based): chr7:128,850,051, C>T. VCF-style: chr7-128850051-C-T. GRCh37 (hg19) VCF-style: chr7-128490105-C-T.
Other names: c.5200-333C>T (NM_001127487.2); short protein forms P1759S.
Identifiers: ClinVar variation 580836 (VCV000580836.13), dbSNP rs892618706, ClinGen allele CA166186204.